The following is an entry in ClinVar:

NM_004733.4(SLC33A1):c.1425A>G (p.Thr475=)

Gene: SLC33A1 (solute carrier family 33 member 1; minus strand). Cytogenetic location: 3q25.31.
Variant type: single nucleotide variant.
Coding change: c.1425A>G on transcript NM_004733.4 (MANE Select); coding-DNA position 1425, A replaced by G.
Protein change: p.Thr475=; no amino-acid change (threonine 475 retained).
Molecular consequence: synonymous variant.
Genome position (GRCh38, 1-based): chr3:155,829,745, T>C on the plus strand (A>G on the coding strand, the complement: SLC33A1 is on the minus strand). VCF-style: chr3-155829745-T-C. GRCh37 (hg19) VCF-style: chr3-155547534-T-C.
Other names: c.1425A>G, p.Thr475= (NM_001190992.2); c.1119A>G, p.Thr373= (NM_001363883.1).
Identifiers: ClinVar variation 3063703 (VCV003063703.1), dbSNP rs777226978, ClinGen allele CA2677241.

ClinVar aggregate classification (germline): Uncertain significance (1 of 4 stars; one submission).

Allele frequency attached by ClinVar (database versions not stated): ExAC 0.00001; TOPMed 0.00001; gnomAD 0.00002.

Submission:

Women's Health and Genetics/Laboratory Corporation of America, LabCorp
Classification: Uncertain significance. Last evaluated: 2024-01-03. Review status: criteria provided, single submitter. Criteria: LabCorp Variant Classification Summary - May 2015. Collection method: clinical testing. Allele origin: germline.
Comment: Variant summary: SLC33A1 c.1425A>G alters a non-conserved nucleotide resulting in a synonymous change. Several computational tools predict a significant impact on normal splicing: Three predict the variant creates a 5' donor site. One predicts the variant has no significant impact on splicing. However, these predictions have yet to be confirmed by functional studies. The variant allele was found at a frequency of 8e-06 in 251484 control chromosomes (gnomAD). The available data on variant occurrences in the general population are insufficient to allow any conclusion about variant significance. To our knowledge, no occurrence of c.1425A>G in individuals affected with Congenital Cataract-Hearing Loss-Severe Developmental Delay Syndrome or other SLC33A1-related disorders and no experimental evidence demonstrating its impact on protein function have been reported. No submitters have cited clinical-significance assessments for this variant to ClinVar after 2014. Based on the evidence outlined above, the variant was classified as uncertain significance.